The following is an entry in ClinVar:

NM_206933.4(USH2A):c.14807C>A (p.Ala4936Asp)

Gene: USH2A (usherin; minus strand). Cytogenetic location: 1q41.
Variant type: single nucleotide variant.
Coding change: c.14807C>A on transcript NM_206933.4 (MANE Select); coding-DNA position 14807, C replaced by A.
Protein change: p.Ala4936Asp; replaces alanine 4936 with aspartic acid.
Molecular consequence: missense variant.
Genome position (GRCh38, 1-based): chr1:215,640,719, G>T on the plus strand (C>A on the coding strand, the complement: USH2A is on the minus strand). VCF-style: chr1-215640719-G-T. GRCh37 (hg19) VCF-style: chr1-215814061-G-T.
Other names: short protein forms A4936D.
Identifiers: ClinVar variation 955953 (VCV000955953.9), dbSNP rs1656651399, ClinGen allele CA344828556.

ClinVar aggregate classification (germline): Uncertain significance (1 of 4 stars; one submission).

Submission:

Labcorp Genetics (formerly Invitae), Labcorp
Classification: Uncertain significance. Last evaluated: 2019-09-11. Review status: criteria provided, single submitter. Criteria: Invitae Variant Classification Sherloc (09022015). Collection method: clinical testing. Allele origin: germline.
Comment: In summary, the available evidence is currently insufficient to determine the role of this variant in disease. Therefore, it has been classified as a Variant of Uncertain Significance. Algorithms developed to predict the effect of missense changes on protein structure and function are either unavailable or do not agree on the potential impact of this missense change (SIFT: "Deleterious"; PolyPhen-2: "Benign"; Align-GVGD: "Class C0"). This sequence change replaces alanine with aspartic acid at codon 4936 of the USH2A protein (p.Ala4936Asp). The alanine residue is highly conserved and there is a moderate physicochemical difference between alanine and aspartic acid. This variant is not present in population databases (ExAC no frequency). This variant has not been reported in the literature in individuals with USH2A-related conditions.